The following is an entry in ClinVar:

NM_002471.4(MYH6):c.5488G>A (p.Ala1830Thr)

Gene: MYH6 (myosin heavy chain 6; minus strand). Cytogenetic location: 14q11.2.
Variant type: single nucleotide variant.
Coding change: c.5488G>A on transcript NM_002471.4 (MANE Select); coding-DNA position 5488, G replaced by A.
Protein change: p.Ala1830Thr; replaces alanine 1830 with threonine.
Molecular consequence: missense variant.
Genome position (GRCh38, 1-based): chr14:23,384,519, C>T on the plus strand (G>A on the coding strand, the complement: MYH6 is on the minus strand). VCF-style: chr14-23384519-C-T. GRCh37 (hg19) VCF-style: chr14-23853728-C-T.
Other names: short protein forms A1830T.
Identifiers: ClinVar variation 845274 (VCV000845274.10), dbSNP rs1250778572, ClinGen allele CA388984150.

ClinVar aggregate classification (germline): Uncertain significance. Review status: criteria provided, multiple submitters, no conflicts (2 of 4 stars). 2 submissions from 2 submitters: Uncertain significance (2). Last evaluated 2023-12-21.

Conditions:
Hypertrophic cardiomyopathy 14. Identifiers: MedGen C2750467, MONDO:0013197, OMIM 613251.
Cardiovascular phenotype. Identifiers: MedGen CN230736.

Allele frequency attached by ClinVar (database versions not stated): gnomAD exomes below 0.00001.

Submissions (2):

Ambry Genetics
Classification: Uncertain significance for Cardiovascular phenotype. Last evaluated: 2023-12-21. Review status: criteria provided, single submitter. Criteria: Ambry Variant Classification Scheme 2023. Collection method: clinical testing. Allele origin: germline.
Comment: The p.A1830T variant (also known as c.5488G>A), located in coding exon 34 of the MYH6 gene, results from a G to A substitution at nucleotide position 5488. The alanine at codon 1830 is replaced by threonine, an amino acid with similar properties. This amino acid position is conserved. In addition, this alteration is predicted to be tolerated by in silico analysis. Since supporting evidence is limited at this time, the clinical significance of this alteration remains unclear.

Labcorp Genetics (formerly Invitae), Labcorp
Classification: Uncertain significance for Hypertrophic cardiomyopathy 14. Last evaluated: 2022-08-16. Review status: criteria provided, single submitter. Criteria: Invitae Variant Classification Sherloc (09022015). Collection method: clinical testing. Allele origin: germline.
Comment: This sequence change replaces alanine, which is neutral and non-polar, with threonine, which is neutral and polar, at codon 1830 of the MYH6 protein (p.Ala1830Thr). This variant is present in population databases (no rsID available, gnomAD 0.0009%). This variant has not been reported in the literature in individuals affected with MYH6-related conditions. ClinVar contains an entry for this variant (Variation ID: 845274). Algorithms developed to predict the effect of missense changes on protein structure and function (SIFT, PolyPhen-2, Align-GVGD) all suggest that this variant is likely to be tolerated. In summary, the available evidence is currently insufficient to determine the role of this variant in disease. Therefore, it has been classified as a Variant of Uncertain Significance.